The following is an entry in ClinVar:

NM_032043.3(BRIP1):c.509T>G (p.Ile170Ser)

Gene: BRIP1 (BRCA1 interacting DNA helicase 1; minus strand). Cytogenetic location: 17q23.2.
Variant type: single nucleotide variant.
Coding change: c.509T>G on transcript NM_032043.3 (MANE Select); coding-DNA position 509, T replaced by G.
Protein change: p.Ile170Ser; replaces isoleucine 170 with serine.
Molecular consequence: missense variant.
Genome position (GRCh38, 1-based): chr17:61,847,219, A>C on the plus strand (T>G on the coding strand, the complement: BRIP1 is on the minus strand). VCF-style: chr17-61847219-A-C. GRCh37 (hg19) VCF-style: chr17-59924580-A-C.
Other names: short protein forms I170S.
Identifiers: ClinVar variation 803456 (VCV000803456.16), dbSNP rs1265322103, ClinGen allele CA400483465.

ClinVar aggregate classification (germline): Uncertain significance. Review status: criteria provided, multiple submitters, no conflicts (2 of 4 stars). 5 submissions from 5 submitters: Uncertain significance (5). Last evaluated 2024-03-19.

Conditions:
Familial cancer of breast. Also called: Hereditary breast cancer; BREAST CANCER, FAMILIAL; hereditary breast carcinoma. Identifiers: Orphanet 227535, MedGen C0346153, MONDO:0016419, OMIM 114480. Disease mechanism: loss of function.
Fanconi anemia complementation group J. Also called: BRIP1-Related Fanconi Anemia. Identifiers: Orphanet 84, MedGen C1836860, MONDO:0012187, OMIM 609054.
Hereditary cancer-predisposing syndrome. Also called: Hereditary Cancer Syndrome; Neoplastic Syndromes, Hereditary; Hereditary neoplastic syndrome; Tumor predisposition. Identifiers: Orphanet 140162, MedGen C0027672, MeSH D009386, MONDO:0015356.
Familial ovarian cancer. Identifiers: MedGen C5679802, MONDO:0016248.

Allele frequency attached by ClinVar (database versions not stated): gnomAD exomes below 0.00001; gnomAD 0.00001; TOPMed 0.00001.
gnomAD v4.1: 3 of 1,613,710 alleles (0.00019%); highest among the groups gnomAD compares: Non-Finnish European, 0.00025%; no homozygotes.

Submissions (5):

Ambry Genetics
Classification: Uncertain significance for Hereditary cancer-predisposing syndrome. Last evaluated: 2024-03-19. Review status: criteria provided, single submitter. Criteria: Ambry Variant Classification Scheme 2023. Collection method: clinical testing. Allele origin: germline.
Comment: The p.I170S variant (also known as c.509T>G), located in coding exon 5 of the BRIP1 gene, results from a T to G substitution at nucleotide position 509. The isoleucine at codon 170 is replaced by serine, an amino acid with dissimilar properties. This amino acid position is conserved. In addition, this alteration is predicted to be tolerated by in silico analysis. Since supporting evidence is limited at this time, the clinical significance of this alteration remains unclear.

Color Diagnostics, LLC DBA Color Health
Classification: Uncertain significance for Hereditary cancer-predisposing syndrome. Last evaluated: 2024-03-11. Review status: criteria provided, single submitter. Criteria: ACMG Guidelines, 2015. Collection method: clinical testing. Allele origin: germline.
Comment: This missense variant replaces isoleucine with serine at codon 170 of the BRIP1 protein. Computational prediction tools and conservation analyses suggest that this variant may not impact the protein function. Computational splicing tools suggest that this variant may not impact RNA splicing. To our knowledge, functional assays have not been performed for this variant nor has this variant been reported in individuals affected with hereditary cancer in the literature. This variant has been identified in 1/31408 chromosomes in the general population by the Genome Aggregation Database (gnomAD). Available evidence is insufficient to determine the role of this variant in disease conclusively. Therefore, this variant is classified as a Variant of Uncertain Significance.

Labcorp Genetics (formerly Invitae), Labcorp
Classification: Uncertain significance for Familial cancer of breast; Fanconi anemia complementation group J. Last evaluated: 2022-09-26. Review status: criteria provided, single submitter. Criteria: Invitae Variant Classification Sherloc (09022015). Collection method: clinical testing. Allele origin: germline.
Comment: This sequence change replaces isoleucine, which is neutral and non-polar, with serine, which is neutral and polar, at codon 170 of the BRIP1 protein (p.Ile170Ser). In summary, the available evidence is currently insufficient to determine the role of this variant in disease. Therefore, it has been classified as a Variant of Uncertain Significance. Algorithms developed to predict the effect of sequence changes on RNA splicing suggest that this variant may create or strengthen a splice site. Algorithms developed to predict the effect of missense changes on protein structure and function (SIFT, PolyPhen-2, Align-GVGD) all suggest that this variant is likely to be tolerated. ClinVar contains an entry for this variant (Variation ID: 803456). This variant has not been reported in the literature in individuals affected with BRIP1-related conditions. This variant is present in population databases (no rsID available, gnomAD 0.007%).

Department of Pathology and Laboratory Medicine, Sinai Health System
Classification: Uncertain significance for familial ovarian cancer. Last evaluated: 2020-02-11. Review status: criteria provided, single submitter. Criteria: ACMG Guidelines, 2015. Collection method: clinical testing. Allele origin: germline. Affected: yes.

Mendelics
Classification: Uncertain significance for Familial cancer of breast. Last evaluated: 2019-05-28. Review status: criteria provided, single submitter. Criteria: Mendelics Assertion Criteria 2017. Collection method: clinical testing. Allele origin: unknown.